The following is an entry in ClinVar:

NM_001378454.1(ALMS1):c.12279G>A (p.Met4093Ile)

Genes: ALMS1 (ALMS1 centrosome and basal body associated protein; plus strand), LOC126806252 (BRD4-independent group 4 enhancer GRCh37_chr2:73828496-73829695; plus strand). Cytogenetic location: 2p13.1.
Variant type: single nucleotide variant.
Coding change: c.12279G>A on transcript NM_001378454.1 (MANE Select); coding-DNA position 12279, G replaced by A.
Protein change: p.Met4093Ile; replaces methionine 4093 with isoleucine.
Molecular consequence: missense variant.
Genome position (GRCh38, 1-based): chr2:73,602,349, G>A. VCF-style: chr2-73602349-G-A. GRCh37 (hg19) VCF-style: chr2-73829476-G-A.
Other names: c.12282G>A, p.Met4094Ile (NM_015120.4); short protein forms M4093I, M4094I.
Identifiers: ClinVar variation 3036575 (VCV003036575.1), dbSNP rs1221176921, ClinGen allele CA347268728.

ClinVar aggregate classification (germline): Likely benign (1 of 4 stars; one submission).

Conditions:
ALMS1-related disorder. Also called: ALMS1-related condition.

Allele frequency attached by ClinVar (database versions not stated): gnomAD exomes 0.00001; TOPMed 0.00001.
gnomAD v4.1: 13 of 1,614,154 alleles (0.00081%); highest among the groups gnomAD compares: Non-Finnish European, 0.001%; no homozygotes.

Submission:

PreventionGenetics, part of Exact Sciences
Classification: Likely benign for ALMS1-related condition. Last evaluated: 2020-07-13. Review status: criteria provided, single submitter. Criteria: ACMG Guidelines, 2015. Collection method: clinical testing. Allele origin: germline.
Comment: This variant is classified as likely benign based on ACMG/AMP sequence variant interpretation guidelines (Richards et al. 2015 PMID: 25741868, with internal and published modifications).